The following is an entry in ClinVar:

NM_199420.4(POLQ):c.4036G>A (p.Asp1346Asn)

Gene: POLQ (DNA polymerase theta; minus strand). Cytogenetic location: 3q13.33.
Variant type: single nucleotide variant.
Coding change: c.4036G>A on transcript NM_199420.4 (MANE Select); coding-DNA position 4036, G replaced by A.
Protein change: p.Asp1346Asn; replaces aspartic acid 1346 with asparagine.
Molecular consequence: missense variant.
Genome position (GRCh38, 1-based): chr3:121,488,895, C>T on the plus strand (G>A on the coding strand, the complement: POLQ is on the minus strand). VCF-style: chr3-121488895-C-T. GRCh37 (hg19) VCF-style: chr3-121207742-C-T.
Other names: short protein forms D1346N.
Identifiers: ClinVar variation 1737238 (VCV001737238.3), dbSNP rs766960729, ClinGen allele CA2562967.

ClinVar aggregate classification (germline): Uncertain significance (1 of 4 stars; one submission).

Allele frequency attached by ClinVar (database versions not stated): gnomAD exomes below 0.00001; ExAC 0.00001.
gnomAD v4.1: 6 of 1,614,138 alleles (0.00037%); highest among the groups gnomAD compares: Non-Finnish European, 0.00042%; no homozygotes.

Submission:

Ambry Genetics
Classification: Uncertain significance. Last evaluated: 2024-05-04. Review status: criteria provided, single submitter. Criteria: Ambry Variant Classification Scheme 2023. Collection method: clinical testing. Allele origin: germline.
Comment: The p.D1346N variant (also known as c.4036G>A), located in coding exon 16 of the POLQ gene, results from a G to A substitution at nucleotide position 4036. The aspartic acid at codon 1346 is replaced by asparagine, an amino acid with highly similar properties. This amino acid position is conserved. In addition, this alteration is predicted to be tolerated by in silico analysis. Since supporting evidence is limited at this time, the clinical significance of this alteration remains unclear.